The following is an entry in ClinVar:

ClinVar aggregate classification (germline): Uncertain significance. Review status: criteria provided, multiple submitters, no conflicts (2 of 4 stars). 2 submissions from 2 submitters: Uncertain significance (2). Last evaluated 2021-08-13.

Allele frequency attached by ClinVar (database versions not stated): gnomAD exomes 0.00001 and 0.00002; TOPMed 0.00002.
gnomAD v4.1: 4 of 1,614,182 alleles (0.00025%); highest among the groups gnomAD compares: Admixed American, 0.0067%; no homozygotes.

Submissions (2):

Blueprint Genetics
Classification: Uncertain significance. Last evaluated: 2021-08-13. Review status: criteria provided, single submitter. Criteria: ACMG Guidelines, 2015. Collection method: clinical testing. Allele origin: germline.

Labcorp Genetics (formerly Invitae), Labcorp
Classification: Uncertain significance. Last evaluated: 2020-10-08. Review status: criteria provided, single submitter. Criteria: Invitae Variant Classification Sherloc (09022015). Collection method: clinical testing. Allele origin: germline.
Comment: This sequence change replaces cysteine with arginine at codon 712 of the IMPG1 protein (p.Cys712Arg). The cysteine residue is highly conserved and there is a large physicochemical difference between cysteine and arginine. In summary, the available evidence is currently insufficient to determine the role of this variant in disease. Therefore, it has been classified as a Variant of Uncertain Significance. Algorithms developed to predict the effect of missense changes on protein structure and function are either unavailable or do not agree on the potential impact of this missense change (SIFT: "Deleterious"; PolyPhen-2: "Probably Damaging"; Align-GVGD: "Class C0"). This variant has not been reported in the literature in individuals with IMPG1-related conditions. ClinVar contains an entry for this variant (Variation ID: 851249). This variant is not present in population databases (ExAC no frequency).

NM_001563.4(IMPG1):c.2134T>C (p.Cys712Arg)

Gene: IMPG1 (interphotoreceptor matrix proteoglycan 1; minus strand). Cytogenetic location: 6q14.1.
Variant type: single nucleotide variant.
Coding change: c.2134T>C on transcript NM_001563.4 (MANE Select); coding-DNA position 2134, T replaced by C.
Protein change: p.Cys712Arg; replaces cysteine 712 with arginine.
Molecular consequence: missense variant.
Genome position (GRCh38, 1-based): chr6:75,931,062, A>G on the plus strand (T>C on the coding strand, the complement: IMPG1 is on the minus strand). VCF-style: chr6-75931062-A-G. GRCh37 (hg19) VCF-style: chr6-76640779-A-G.
Other names: c.1900T>C, p.Cys634Arg (NM_001282368.2); short protein forms C634R, C712R.
Identifiers: ClinVar variation 851249 (VCV000851249.11), dbSNP rs1241174108, ClinGen allele CA364769755.